The following is an entry in ClinVar:

NM_002025.4(AFF2):c.2086A>G (p.Lys696Glu)

Gene: AFF2 (ALF transcription elongation factor 2; plus strand). Cytogenetic location: Xq28.
Variant type: single nucleotide variant.
Coding change: c.2086A>G on transcript NM_002025.4 (MANE Select); coding-DNA position 2086, A replaced by G.
Protein change: p.Lys696Glu; replaces lysine 696 with glutamic acid.
Molecular consequence: missense variant.
Genome position (GRCh38, 1-based): chrX:148,956,131, A>G. VCF-style: chrX-148956131-A-G. GRCh37 (hg19) VCF-style: chrX-148037661-A-G.
Other names: c.1987A>G, p.Lys663Glu (NM_001169122.2); c.2056A>G, p.Lys686Glu (NM_001169123.2); c.1981A>G, p.Lys661Glu (NM_001169124.2); c.1969A>G, p.Lys657Glu (NM_001169125.2); c.1009A>G, p.Lys337Glu (NM_001170628.1); c.2086A>G (NM_002025.3); short protein forms K337E, K657E, K661E, K663E, K686E, K696E.
Identifiers: ClinVar variation 1304104 (VCV001304104.3), dbSNP rs2124360234, ClinGen allele CA414514209.

ClinVar aggregate classification (germline): Uncertain significance. Review status: criteria provided, multiple submitters, no conflicts (2 of 4 stars). 2 submissions from 2 submitters: Uncertain significance (2). Last evaluated 2025-11-26.

Conditions:
Inborn genetic diseases. Identifiers: MedGen C0950123, MeSH D030342.

Submissions (2):

Ambry Genetics
Classification: Uncertain significance for Inborn genetic diseases. Last evaluated: 2025-11-26. Review status: criteria provided, single submitter. Criteria: Ambry Variant Classification Scheme 2023. Collection method: clinical testing. Allele origin: germline.

GeneDx
Classification: Uncertain significance. Last evaluated: 2019-09-05. Review status: criteria provided, single submitter. Criteria: GeneDx Variant Classification Process June 2021. Collection method: clinical testing. Allele origin: germline. Affected: yes.
Comment: Not observed in large population cohorts (Lek et al., 2016); In silico analysis, which includes protein predictors and evolutionary conservation, supports a deleterious effect; Has not been previously published as pathogenic or benign to our knowledge